The following is an entry in ClinVar:

ClinVar aggregate classification (germline): Uncertain significance. Review status: criteria provided, multiple submitters, no conflicts (2 of 4 stars). 2 submissions from 2 submitters: Uncertain significance (2). Last evaluated 2024-11-06.

Submissions (2):

GeneDx
Classification: Uncertain significance. Last evaluated: 2024-11-06. Review status: criteria provided, single submitter. Criteria: GeneDx Variant Classification Process June 2021. Collection method: clinical testing. Allele origin: germline. Affected: yes.
Comment: Not observed at significant frequency in large population cohorts (gnomAD); In silico analysis supports that this missense variant has a deleterious effect on protein structure/function; Missense variant in a gene in which most reported pathogenic variants are truncating/loss of function; Has not been previously published as pathogenic or benign to our knowledge

Women's Health and Genetics/Laboratory Corporation of America, LabCorp
Classification: Uncertain significance. Last evaluated: 2022-02-18. Review status: criteria provided, single submitter. Criteria: LabCorp Variant Classification Summary - May 2015. Collection method: clinical testing. Allele origin: germline.

NM_004006.3(DMD):c.9137G>A (p.Gly3046Asp)

Gene: DMD (dystrophin; minus strand). Cytogenetic location: Xp21.2.
Variant type: single nucleotide variant.
Coding change: c.9137G>A on transcript NM_004006.3 (MANE Select); coding-DNA position 9137, G replaced by A.
Protein change: p.Gly3046Asp; replaces glycine 3046 with aspartic acid.
Molecular consequence: missense variant.
Genome position (GRCh38, 1-based): chrX:31,348,582, C>T on the plus strand (G>A on the coding strand, the complement: DMD is on the minus strand). VCF-style: chrX-31348582-C-T. GRCh37 (hg19) VCF-style: chrX-31366699-C-T.
Other names: c.9113G>A, p.Gly3038Asp (NM_000109.4); c.9125G>A, p.Gly3042Asp (NM_004009.3); c.8768G>A, p.Gly2923Asp (NM_004010.3); c.5114G>A, p.Gly1705Asp (NM_004011.4); c.5105G>A, p.Gly1702Asp (NM_004012.4); c.1757G>A, p.Gly586Asp (NM_004013.3, NM_004020.4, NM_004021.3 and 2 more transcripts); c.950G>A, p.Gly317Asp (NM_004014.3); short protein forms G1702D, G1705D, G2923D, G3038D, G3042D, G3046D, G317D, G586D.
Identifiers: ClinVar variation 1343579 (VCV001343579.2), dbSNP rs2148491931, ClinGen allele CA412653687.
Genomic context (GRCh38, chrX:31,348,582, plus strand): 5'-TAAAGTTAAGTGATAAAAGCTGAAAATGACTTACTGGAAAGAAAGTGCTGAGATGCTGGA[C>T]CAAAGTCCCTGTGGGCTTCATGCAGCTGCCTGACTCGGTCCTCGACGGCCACCTGGGAGG-3'
Protein context (NP_003997.2, residues 3036-3056): RQLHEAHRDF[Gly3046Asp]PASQHFLSTS